The following is an entry in ClinVar:

NM_001040108.2(MLH3):c.1144G>A (p.Val382Met)

Gene: MLH3 (mutL homolog 3; minus strand). Cytogenetic location: 14q24.3.
Variant type: single nucleotide variant.
Coding change: c.1144G>A on transcript NM_001040108.2 (MANE Select); coding-DNA position 1144, G replaced by A.
Protein change: p.Val382Met; replaces valine 382 with methionine.
Molecular consequence: missense variant.
Genome position (GRCh38, 1-based): chr14:75,048,512, C>T on the plus strand (G>A on the coding strand, the complement: MLH3 is on the minus strand). VCF-style: chr14-75048512-C-T. GRCh37 (hg19) VCF-style: chr14-75515215-C-T.
Other names: c.1144G>A, p.Val382Met (NM_014381.3); short protein forms V382M.
Identifiers: ClinVar variation 4860192 (VCV004860192.1).

ClinVar aggregate classification (germline): Uncertain significance (1 of 4 stars; one submission).

gnomAD v4.1: 1 of 1,613,302 alleles (0.000062%); highest among the groups gnomAD compares: South Asian, 0.0011%; no homozygotes.

Submission:

Ambry Genetics
Classification: Uncertain significance. Last evaluated: 2026-05-01. Review status: criteria provided, single submitter. Criteria: Ambry Variant Classification Scheme 2023. Collection method: clinical testing. Allele origin: germline.
Comment: The p.V382M variant (also known as c.1144G>A), located in coding exon 1 of the MLH3 gene, results from a G to A substitution at nucleotide position 1144. The valine at codon 382 is replaced by methionine, an amino acid with highly similar properties. This amino acid position is conserved. In addition, this alteration is predicted to be tolerated by in silico analysis. Based on the available evidence, the clinical significance of this variant remains unclear.